The following is an entry in ClinVar:

ClinVar aggregate classification (germline): Uncertain significance. Review status: criteria provided, multiple submitters, no conflicts (2 of 4 stars). 2 submissions from 2 submitters: Uncertain significance (2). Last evaluated 2022-01-07.

Conditions:
Severe combined immunodeficiency due to DNA-PKcs deficiency. Also called: Immunodeficiency 26 with or without neurologic abnormalities; IMMUNODEFICIENCY 26 WITH NEUROLOGIC ABNORMALITIES. Identifiers: Orphanet 317425, MedGen C4014833, MONDO:0014423, OMIM 615966.

Allele frequency attached by ClinVar (database versions not stated): TOPMed 0.00001; gnomAD 0.00003; gnomAD exomes 0.00004 and 0.00010; ExAC 0.00023.
gnomAD v4.1: 51 of 1,523,676 alleles (0.0033%); highest among the groups gnomAD compares: South Asian, 0.021%; no homozygotes.

Submissions (2):

Labcorp Genetics (formerly Invitae), Labcorp
Classification: Uncertain significance for Severe combined immunodeficiency due to DNA-PKcs deficiency. Last evaluated: 2022-01-07. Review status: criteria provided, single submitter. Criteria: Invitae Variant Classification Sherloc (09022015). Collection method: clinical testing. Allele origin: germline.
Comment: ClinVar contains an entry for this variant (Variation ID: 1052141). This variant has not been reported in the literature in individuals affected with PRKDC-related conditions. This variant is present in population databases (rs771708028, gnomAD 0.05%). This sequence change replaces proline, which is neutral and non-polar, with alanine, which is neutral and non-polar, at codon 494 of the PRKDC protein (p.Pro494Ala). In summary, the available evidence is currently insufficient to determine the role of this variant in disease. Therefore, it has been classified as a Variant of Uncertain Significance.

Ambry Genetics
Classification: Uncertain significance. Last evaluated: 2021-06-21. Review status: criteria provided, single submitter. Criteria: Ambry Variant Classification Scheme 2023. Collection method: clinical testing. Allele origin: germline.
Comment: The p.P494A variant (also known as c.1480C>G), located in coding exon 14 of the PRKDC gene, results from a C to G substitution at nucleotide position 1480. The proline at codon 494 is replaced by alanine, an amino acid with highly similar properties. This amino acid position is conserved. In addition, this alteration is predicted to be tolerated by in silico analysis. Since supporting evidence is limited at this time, the clinical significance of this alteration remains unclear.

NM_006904.7(PRKDC):c.1480C>G (p.Pro494Ala)

Gene: PRKDC (protein kinase, DNA-activated, catalytic subunit; minus strand). Cytogenetic location: 8q11.21.
Variant type: single nucleotide variant.
Coding change: c.1480C>G on transcript NM_006904.7 (MANE Select); coding-DNA position 1480, C replaced by G.
Protein change: p.Pro494Ala; replaces proline 494 with alanine.
Molecular consequence: missense variant.
Genome position (GRCh38, 1-based): chr8:47,935,026, G>C on the plus strand (C>G on the coding strand, the complement: PRKDC is on the minus strand). VCF-style: chr8-47935026-G-C. GRCh37 (hg19) VCF-style: chr8-48847586-G-C.
Other names: c.1480C>G, p.Pro494Ala (NM_001081640.2); short protein forms P494A.
Identifiers: ClinVar variation 1052141 (VCV001052141.11), dbSNP rs771708028, ClinGen allele CA4741721.